The following is an entry in ClinVar:

ClinVar aggregate classification (germline): Conflicting classifications of pathogenicity. Review status: criteria provided, conflicting classifications (1 of 4 stars). 2 submissions from 2 submitters: Uncertain significance (1); Likely benign (1). Last evaluated 2024-08-22.

Conditions:
Hereditary cancer-predisposing syndrome. Also called: Neoplastic Syndromes, Hereditary; Hereditary neoplastic syndrome; Tumor predisposition; Hereditary Cancer Syndrome. Identifiers: Orphanet 140162, MedGen C0027672, MeSH D009386, MONDO:0015356.
Bloom syndrome (BLM). Also called: Bloom-Torre-Machacek syndrome. Identifiers: Orphanet 125, MedGen C0005859, MONDO:0008876, OMIM 210900.

Allele frequency attached by ClinVar (database versions not stated): gnomAD exomes below 0.00001.
gnomAD v4.1: 1 of 1,614,178 alleles (0.000062%); highest among the groups gnomAD compares: Non-Finnish European, 0.000085%; no homozygotes.

Submissions (2):

Labcorp Genetics (formerly Invitae), Labcorp
Classification: Uncertain significance for Bloom syndrome. Last evaluated: 2024-08-22. Review status: criteria provided, single submitter. Criteria: Invitae Variant Classification Sherloc (09022015). Collection method: clinical testing. Allele origin: germline.
Comment: This sequence change replaces asparagine, which is neutral and polar, with serine, which is neutral and polar, at codon 82 of the BLM protein (p.Asn82Ser). This variant is not present in population databases (gnomAD no frequency). This variant has not been reported in the literature in individuals affected with BLM-related conditions. ClinVar contains an entry for this variant (Variation ID: 524755). An algorithm developed to predict the effect of missense changes on protein structure and function outputs the following: PolyPhen-2: "Benign". The serine amino acid residue is found in multiple mammalian species, which suggests that this missense change does not adversely affect protein function. In summary, the available evidence is currently insufficient to determine the role of this variant in disease. Therefore, it has been classified as a Variant of Uncertain Significance.

Ambry Genetics
Classification: Likely benign for Hereditary cancer-predisposing syndrome. Last evaluated: 2021-07-18. Review status: criteria provided, single submitter. Criteria: Ambry Variant Classification Scheme 2023. Collection method: clinical testing. Allele origin: germline.

NM_000057.4(BLM):c.245A>G (p.Asn82Ser)

Gene: BLM (BLM RecQ like helicase; plus strand). Cytogenetic location: 15q26.1.
Variant type: single nucleotide variant.
Coding change: c.245A>G on transcript NM_000057.4 (MANE Select); coding-DNA position 245, A replaced by G.
Protein change: p.Asn82Ser; replaces asparagine 82 with serine.
Molecular consequence: missense variant. On other transcripts: 5 prime UTR variant (1).
Genome position (GRCh38, 1-based): chr15:90,749,513, A>G. VCF-style: chr15-90749513-A-G. GRCh37 (hg19) VCF-style: chr15-91292743-A-G.
Other names: c.245A>G, p.Asn82Ser (NM_001287246.2, NM_001287247.2); c.-1047A>G (NM_001287248.2); short protein forms N82S.
Identifiers: ClinVar variation 524755 (VCV000524755.11), dbSNP rs1555418292, ClinGen allele CA393839943.